The following is an entry in ClinVar:

NM_152703.5(SAMD9L):c.461G>T (p.Gly154Val)

Gene: SAMD9L (sterile alpha motif domain containing 9 like; minus strand). Cytogenetic location: 7q21.2.
Variant type: single nucleotide variant.
Coding change: c.461G>T on transcript NM_152703.5 (MANE Select); coding-DNA position 461, G replaced by T.
Protein change: p.Gly154Val; replaces glycine 154 with valine.
Molecular consequence: missense variant.
Genome position (GRCh38, 1-based): chr7:93,135,511, C>A on the plus strand (G>T on the coding strand, the complement: SAMD9L is on the minus strand). VCF-style: chr7-93135511-C-A. GRCh37 (hg19) VCF-style: chr7-92764824-C-A.
Other names: c.461G>T, p.Gly154Val (NM_001303496.3, NM_001303497.3, NM_001303498.3 and 5 more transcripts); short protein forms G154V.
Identifiers: ClinVar variation 4630060 (VCV004630060.2).

ClinVar aggregate classification (germline): Uncertain significance. Review status: criteria provided, multiple submitters, no conflicts (2 of 4 stars). 2 submissions from 2 submitters: Uncertain significance (2). Last evaluated 2025-10-15.

Conditions:
Inborn genetic diseases. Identifiers: MedGen C0950123, MeSH D030342.

Submissions (2):

Ambry Genetics
Classification: Uncertain significance for Inborn genetic diseases. Last evaluated: 2025-10-15. Review status: criteria provided, single submitter. Criteria: Ambry Variant Classification Scheme 2023. Collection method: clinical testing. Allele origin: germline.
Comment: The p.G154V variant (also known as c.461G>T), located in coding exon 1 of the SAMD9L gene, results from a G to T substitution at nucleotide position 461. The glycine at codon 154 is replaced by valine, an amino acid with dissimilar properties. This amino acid position is conserved. In addition, this alteration is predicted to be tolerated by in silico analysis. Based on the available evidence, the clinical significance of this variant remains unclear.

Labcorp Genetics (formerly Invitae), Labcorp
Classification: Uncertain significance. Last evaluated: 2025-06-14. Review status: criteria provided, single submitter. Criteria: Invitae Variant Classification Sherloc (09022015). Collection method: clinical testing. Allele origin: germline.
Comment: This sequence change replaces glycine, which is neutral and non-polar, with valine, which is neutral and non-polar, at codon 154 of the SAMD9L protein (p.Gly154Val). This variant is not present in population databases (gnomAD no frequency). This variant has not been reported in the literature in individuals affected with SAMD9L-related conditions. An algorithm developed to predict the effect of missense changes on protein structure and function (PolyPhen-2) suggests that this variant is likely to be tolerated. In summary, the available evidence is currently insufficient to determine the role of this variant in disease. Therefore, it has been classified as a Variant of Uncertain Significance.